The following is an entry in ClinVar:

ClinVar aggregate classification (germline): Uncertain significance. Review status: criteria provided, multiple submitters, no conflicts (2 of 4 stars). 2 submissions from 2 submitters: Uncertain significance (2). Last evaluated 2023-12-14.

Conditions:
Hereditary cancer-predisposing syndrome. Also called: Tumor predisposition; Hereditary Cancer Syndrome; Neoplastic Syndromes, Hereditary; Hereditary neoplastic syndrome. Identifiers: Orphanet 140162, MedGen C0027672, MeSH D009386, MONDO:0015356.
Neuroblastoma, susceptibility to, 3. Also called: ALK-Related Neuroblastic Tumor Susceptibility. Identifiers: Orphanet 635, MedGen C2751681, MONDO:0013083, OMIM 613014.

Submissions (2):

Ambry Genetics
Classification: Uncertain significance for Hereditary cancer-predisposing syndrome. Last evaluated: 2023-12-14. Review status: criteria provided, single submitter. Criteria: Ambry Variant Classification Scheme 2023. Collection method: clinical testing. Allele origin: germline.
Comment: The p.K434E variant (also known as c.1300A>G), located in coding exon 6 of the ALK gene, results from an A to G substitution at nucleotide position 1300. The lysine at codon 434 is replaced by glutamic acid, an amino acid with similar properties. This amino acid position is conserved. In addition, the in silico prediction for this alteration is inconclusive. Since supporting evidence is limited at this time, the clinical significance of this alteration remains unclear.

Labcorp Genetics (formerly Invitae), Labcorp
Classification: Uncertain significance for Neuroblastoma, susceptibility to, 3. Last evaluated: 2023-07-07. Review status: criteria provided, single submitter. Criteria: Invitae Variant Classification Sherloc (09022015). Collection method: clinical testing. Allele origin: germline.
Comment: This variant is not present in population databases (gnomAD no frequency). In summary, the available evidence is currently insufficient to determine the role of this variant in disease. Therefore, it has been classified as a Variant of Uncertain Significance. An algorithm developed to predict the effect of missense changes on protein structure and function (PolyPhen-2) suggests that this variant is likely to be disruptive. ClinVar contains an entry for this variant (Variation ID: 971921). This variant has not been reported in the literature in individuals affected with ALK-related conditions. This sequence change replaces lysine, which is basic and polar, with glutamic acid, which is acidic and polar, at codon 434 of the ALK protein (p.Lys434Glu).

NM_004304.5(ALK):c.1300A>G (p.Lys434Glu)

Gene: ALK (ALK receptor tyrosine kinase; minus strand). Cytogenetic location: 2p23.2.
Variant type: single nucleotide variant.
Coding change: c.1300A>G on transcript NM_004304.5 (MANE Select); coding-DNA position 1300, A replaced by G.
Protein change: p.Lys434Glu; replaces lysine 434 with glutamic acid.
Molecular consequence: missense variant.
Genome position (GRCh38, 1-based): chr2:29,328,464, T>C on the plus strand (A>G on the coding strand, the complement: ALK is on the minus strand). VCF-style: chr2-29328464-T-C. GRCh37 (hg19) VCF-style: chr2-29551330-T-C.
Other names: short protein forms K434E.
Identifiers: ClinVar variation 971921 (VCV000971921.10), dbSNP rs1667341023, ClinGen allele CA346474551.